The following is an entry in ClinVar:

NM_201384.3(PLEC):c.11553C>T (p.Thr3851=)

Gene: PLEC (plectin; minus strand). Cytogenetic location: 8q24.3.
Variant type: single nucleotide variant.
Coding change: c.11553C>T on transcript NM_201384.3 (MANE Select); coding-DNA position 11553, C replaced by T.
Protein change: p.Thr3851=; no amino-acid change (threonine 3851 retained).
Molecular consequence: synonymous variant.
Genome position (GRCh38, 1-based): chr8:143,918,268, G>A on the plus strand (C>T on the coding strand, the complement: PLEC is on the minus strand). VCF-style: chr8-143918268-G-A. GRCh37 (hg19) VCF-style: chr8-144992436-G-A.
Other names: c.11634C>T, p.Thr3878= (NM_000445.5); c.11511C>T, p.Thr3837= (NM_201378.4); c.11487C>T, p.Thr3829= (NM_201379.3); c.11964C>T, p.Thr3988= (NM_201380.4); c.11457C>T, p.Thr3819= (NM_201381.3); c.11553C>T, p.Thr3851= (NM_201382.4); c.11565C>T, p.Thr3855= (NM_201383.3).
Identifiers: ClinVar variation 487329 (VCV000487329.36), dbSNP rs782756147, ClinGen allele CA4924317.

ClinVar aggregate classification (germline): Likely benign. Review status: criteria provided, multiple submitters, no conflicts (2 of 4 stars). 4 submissions from 4 submitters: Likely benign (4). Last evaluated 2026-08-12.

Conditions:
Epidermolysis bullosa simplex 5C, with pyloric atresia (EBS5C). Also called: PLEC-Related Epidermolysis Bullosa with Pyloric Atresia; Epidermolysis bullosa simplex with pyloric atresia; PLEC1-Related Epidermolysis Bullosa with Pyloric Atresia. Identifiers: Orphanet 158684, MedGen C2677349, MONDO:0012807, OMIM 612138.
Epidermolysis bullosa simplex 5B, with muscular dystrophy (EBS5B). Also called: EPIDERMOLYSIS BULLOSA SIMPLEX AND LIMB-GIRDLE MUSCULAR DYSTROPHY; Epidermolysis bullosa simplex with muscular dystrophy. Identifiers: Orphanet 257, MedGen C2931072, MONDO:0009181, OMIM 226670.
Autosomal recessive limb-girdle muscular dystrophy type 2Q (LGMDR17). Also called: MUSCULAR DYSTROPHY, LIMB-GIRDLE, AUTOSOMAL RECESSIVE 17. Identifiers: Orphanet 254361, MedGen C3150989, MONDO:0013390, OMIM 613723.
Epidermolysis bullosa simplex with nail dystrophy (EBS5D). Identifiers: MedGen C4225309, MONDO:0014661, OMIM 616487.
Epidermolysis bullosa simplex, Ogna type (EBS5A). Also called: Pidermolysis bullosa simplex 5A, Ogna type; EPIDERMOLYSIS BULLOSA SIMPLEX 5A, OGNA TYPE. Identifiers: Orphanet 79401, MedGen C0432317, MONDO:0007555, OMIM 131950.
PLEC-related disorder. Also called: PLEC-related disorders; PLEC-related condition.

Allele frequency attached by ClinVar (database versions not stated): gnomAD 0.00010 and 0.00011; TOPMed 0.00010; ExAC 0.00005; gnomAD exomes 0.00005.
gnomAD v4.1: 116 of 1,591,994 alleles (0.0073%); highest among the groups gnomAD compares: African/African-American, 0.028%; no homozygotes.

Submissions (4):

PreventionGenetics, part of Exact Sciences
Classification: Likely benign for PLEC-related condition. Last evaluated: 2026-08-12. Review status: criteria provided, single submitter. Criteria: ACMG Guidelines, 2015. Collection method: clinical testing. Allele origin: germline.
Comment: This variant is classified as likely benign based on ACMG/AMP sequence variant interpretation guidelines (Richards et al. 2015 PMID: 25741868, with internal and published modifications).

Labcorp Genetics (formerly Invitae), Labcorp
Classification: Likely benign for Autosomal recessive limb-girdle muscular dystrophy type 2Q; Epidermolysis bullosa simplex, Ogna type; Epidermolysis bullosa simplex with nail dystrophy; Epidermolysis bullosa simplex 5C, with pyloric atresia; Epidermolysis bullosa simplex 5B, with muscular dystrophy. Last evaluated: 2025-10-01. Review status: criteria provided, single submitter. Criteria: Invitae Variant Classification Sherloc (09022015). Collection method: clinical testing. Allele origin: germline.

Blueprint Genetics
Classification: Likely benign. Last evaluated: 2024-02-23. Review status: criteria provided, single submitter. Criteria: ACMG Guidelines, 2015. Collection method: clinical testing. Allele origin: germline.

CeGaT Center for Human Genetics Tuebingen
Classification: Likely benign. Last evaluated: 2023-12-01. Review status: criteria provided, single submitter. Criteria: CeGaT Center For Human Genetics Tuebingen Variant Classification Criteria Version 2. Collection method: clinical testing. Allele origin: germline. Affected: yes. Observed: 1 variant allele.
Comment: PLEC: BP4, BP7